The following is an entry in ClinVar:

NM_001009944.3(PKD1):c.7949T>C (p.Leu2650Pro)

Gene: PKD1 (polycystin 1, transient receptor potential channel interacting; minus strand). Cytogenetic location: 16p13.3.
Variant type: single nucleotide variant.
Coding change: c.7949T>C on transcript NM_001009944.3 (MANE Select); coding-DNA position 7949, T replaced by C.
Protein change: p.Leu2650Pro; replaces leucine 2650 with proline.
Molecular consequence: missense variant.
Genome position (GRCh38, 1-based): chr16:2,105,389, A>G on the plus strand (T>C on the coding strand, the complement: PKD1 is on the minus strand). VCF-style: chr16-2105389-A-G. GRCh37 (hg19) VCF-style: chr16-2155390-A-G.
Other names: c.7949T>C, p.Leu2650Pro (NM_000296.4); short protein forms L2650P.
Identifiers: ClinVar variation 1805212 (VCV001805212.2), dbSNP rs2092302943, ClinGen allele CA394366032.

ClinVar aggregate classification (germline): Uncertain significance. Review status: criteria provided, multiple submitters, no conflicts (2 of 4 stars). 2 submissions from 2 submitters: Uncertain significance (2). Last evaluated 2022-10-14.

Conditions:
Polycystic kidney disease, adult type (PKD1). Also called: POLYCYSTIC KIDNEY DISEASE 1 WITH OR WITHOUT POLYCYSTIC LIVER DISEASE; Polycystic Kidney Disease 1, Autosomal Dominant; Polycystic kidney disease 1; Polycystic kidney disease 1, severe; POLYCYSTIC KIDNEY DISEASE, ADULT, TYPE I; Polycystic Kidney, Autosomal Dominant. Identifiers: MedGen C3149841, MONDO:0008263, OMIM 173900.

Submissions (2):

Blueprint Genetics
Classification: Uncertain significance. Last evaluated: 2022-10-14. Review status: criteria provided, single submitter. Criteria: ACMG Guidelines, 2015. Collection method: clinical testing. Allele origin: germline.

Victorian Clinical Genetics Services, Murdoch Childrens Research Institute
Classification: Uncertain significance for Polycystic kidney disease, adult type. Last evaluated: 2022-02-02. Review status: criteria provided, single submitter. Criteria: ACMG Guidelines, 2015. Collection method: clinical testing. Allele origin: germline. Inheritance: Autosomal dominant inheritance. Affected: yes.
Comment: Based on the classification scheme VCGS_Germline_v1.3.4, this variant is classified as VUS-3B. Following criteria are met: 0102 - Loss of function is a known mechanism of disease in this gene and is associated with Polycystic kidney disease 1 (MIM#173900). (I) 0107 - This gene is associated with autosomal dominant disease. Polycystic kidney disease 1 (MIM#173900) is predominantly caused by monoallelic variants, with rare reports of biallelic variants causing disease (OMIM). (I) 0200 - Variant is predicted to result in a missense amino acid change from leucine to proline. (I) 0251 - This variant is heterozygous. (I) 0301 - Variant is absent from gnomAD (both v2 and v3). (SP) 0309 - An alternative amino acid change at the same position has been observed in gnomAD (v2) (2 heterozygotes, 0 homozygotes). (I) 0502 - Missense variant with conflicting in silico predictions and uninformative conservation. (I) 0604 - Variant is not located in an established domain, motif, hotspot or informative constraint region. (I) 0710 - Another missense variant comparable to the one identified in this case has inconclusive previous evidence for pathogenicity. An alternative change to an arginine has been reported as a VUS in ClinVar. (I) 0807 - This variant has no previous evidence of pathogenicity. (I) 0905 - No published segregation evidence has been identified for this variant. (I) 1007 - No published functional evidence has been identified for this variant. (I) 1208 - Inheritance information for this variant is not currently available in this individual. (I) Legend: (SP) - Supporting pathogenic, (I) - Information, (SB) - Supporting benign